The following is an entry in ClinVar:

ClinVar aggregate classification (germline): Uncertain significance (1 of 4 stars; one submission).

Conditions:
AAAS-related disorder. Also called: AAAS-related condition.

Allele frequency attached by ClinVar (database versions not stated): ExAC 0.00003.
gnomAD v4.1: 22 of 1,613,674 alleles (0.0014%); highest among the groups gnomAD compares: South Asian, 0.015%; no homozygotes.

Submission:

PreventionGenetics, part of Exact Sciences
Classification: Uncertain significance for AAAS-related condition. Last evaluated: 2026-04-22. Review status: criteria provided, single submitter. Criteria: ACMG Guidelines, 2015. Collection method: clinical testing. Allele origin: germline.
Comment: The AAAS c.334G>A variant is predicted to result in the amino acid substitution p.Gly112Ser. To our knowledge, this variant has not been reported in the literature. This variant is reported in 0.013% of alleles in individuals of South Asian descent in gnomAD. At this time, the clinical significance of this variant is uncertain due to the absence of conclusive functional and genetic evidence.

NM_015665.6(AAAS):c.334G>A (p.Gly112Ser)

Gene: AAAS (aladin WD repeat nucleoporin; minus strand). Cytogenetic location: 12q13.13.
Variant type: single nucleotide variant.
Coding change: c.334G>A on transcript NM_015665.6 (MANE Select); coding-DNA position 334, G replaced by A.
Protein change: p.Gly112Ser; replaces glycine 112 with serine.
Molecular consequence: missense variant.
Genome position (GRCh38, 1-based): chr12:53,315,400, C>T on the plus strand (G>A on the coding strand, the complement: AAAS is on the minus strand). VCF-style: chr12-53315400-C-T. GRCh37 (hg19) VCF-style: chr12-53709184-C-T.
Other names: c.334G>A, p.Gly112Ser (NM_001173466.2); short protein forms G112S.
Identifiers: ClinVar variation 2628752 (VCV002628752.2), dbSNP rs765177858, ClinGen allele CA6599259.